The following is an entry in ClinVar:

NM_002432.3(MNDA):c.1153T>C (p.Cys385Arg)

Gene: MNDA (myeloid cell nuclear differentiation antigen; plus strand). Cytogenetic location: 1q23.1.
Variant type: single nucleotide variant.
Coding change: c.1153T>C on transcript NM_002432.3 (MANE Select); coding-DNA position 1153, T replaced by C.
Protein change: p.Cys385Arg; replaces cysteine 385 with arginine.
Molecular consequence: missense variant.
Genome position (GRCh38, 1-based): chr1:158,847,893, T>C. VCF-style: chr1-158847893-T-C. GRCh37 (hg19) VCF-style: chr1-158817683-T-C.
Other names: short protein forms C385R.
Identifiers: ClinVar variation 3397299 (VCV003397299.1).
Genomic context (GRCh38, chr1:158,847,893, plus strand): 5'-GATAAACTTCGACTCTTCTGCCTTCAACTGAGAACAGTTGACCGCAAGCTGAAACTGGTG[T>C]GTGGAAGTCACAGCTTCATCAAGGTGGGAACTGGATAGAGGAGAATGAGTTTGCTAAAGA-3'
Protein context (NP_002423.1, residues 375-395): RTVDRKLKLV[Cys385Arg]GSHSFIKVIK

ClinVar aggregate classification (germline): Uncertain significance (1 of 4 stars; one submission).

gnomAD v4.1: 1 of 1,613,874 alleles (0.000062%); highest among the groups gnomAD compares: Non-Finnish European, 0.000085%; no homozygotes.

Submission:

Ambry Genetics
Classification: Uncertain significance. Last evaluated: 2024-10-07. Review status: criteria provided, single submitter. Criteria: Ambry Variant Classification Scheme 2023. Collection method: clinical testing. Allele origin: germline.
Comment: The p.C385R variant (also known as c.1153T>C), located in coding exon 5 of the MNDA gene, results from a T to C substitution at nucleotide position 1153. The cysteine at codon 385 is replaced by arginine, an amino acid with highly dissimilar properties. This amino acid position is conserved. In addition, this alteration is predicted to be tolerated by in silico analysis. Based on the available evidence, the clinical significance of this variant remains unclear.